The following is an entry in ClinVar:

NM_002661.5(PLCG2):c.2417+104T>G

Gene: PLCG2 (phospholipase C gamma 2; plus strand). Cytogenetic location: 16q23.3.
Variant type: single nucleotide variant.
Coding change: c.2417+104T>G on transcript NM_002661.5 (MANE Select); 104 bases into the intron after coding-DNA position 2417, T replaced by G.
Molecular consequence: intron variant.
Genome position (GRCh38, 1-based): chr16:81,923,698, T>G. VCF-style: chr16-81923698-T-G. GRCh37 (hg19) VCF-style: chr16-81957303-T-G.
Identifiers: ClinVar variation 1239142 (VCV001239142.5), dbSNP rs16955980, ClinGen allele CA14270804.

ClinVar aggregate classification (germline): Benign. Review status: criteria provided, multiple submitters, no conflicts (2 of 4 stars). 2 submissions from 2 submitters: Benign (2). Last evaluated 2024-01-24.

Allele frequency attached by ClinVar (database versions not stated): TOPMed 0.55960; 1000 Genomes Project 30x 0.56309; 1000 Genomes Project 0.56869; gnomAD 0.54861.
gnomAD v4.1: 403,193 of 660,448 alleles (61%); highest among the groups gnomAD compares: East Asian, 77%; 126,865 homozygotes.

Submissions (2):

Unidad de Genómica Garrahan, Hospital de Pediatría Garrahan
Classification: Benign. Last evaluated: 2024-01-24. Review status: criteria provided, single submitter. Criteria: ACMG Guidelines, 2015. Collection method: clinical testing. Allele origin: germline. Affected: no. Observed: 77 variant alleles.
Comment: This variant is classified as Benign based on local population frequency. This variant was detected in 81% of patients studied by a panel of primary immunodeficiencies. Number of patients: 77. Only high quality variants are reported.

GeneDx
Classification: Benign. Last evaluated: 2021-05-14. Review status: criteria provided, single submitter. Criteria: GeneDx Variant Classification Process June 2021. Collection method: clinical testing. Allele origin: germline. Affected: yes.